The following is an entry in ClinVar:

ClinVar aggregate classification (germline): Uncertain significance (1 of 4 stars; one submission).

Submission:

Labcorp Genetics (formerly Invitae), Labcorp
Classification: Uncertain significance. Last evaluated: 2023-10-10. Review status: criteria provided, single submitter. Criteria: Invitae Variant Classification Sherloc (09022015). Collection method: clinical testing. Allele origin: germline.
Comment: This sequence change replaces arginine, which is basic and polar, with lysine, which is basic and polar, at codon 345 of the SLC4A1 protein (p.Arg345Lys). This variant is not present in population databases (gnomAD no frequency). This variant has not been reported in the literature in individuals affected with SLC4A1-related conditions. Advanced modeling of protein sequence and biophysical properties (such as structural, functional, and spatial information, amino acid conservation, physicochemical variation, residue mobility, and thermodynamic stability) performed at Invitae indicates that this missense variant is not expected to disrupt SLC4A1 protein function. In summary, the available evidence is currently insufficient to determine the role of this variant in disease. Therefore, it has been classified as a Variant of Uncertain Significance.

NM_000342.4(SLC4A1):c.1034G>A (p.Arg345Lys)

Gene: SLC4A1 (solute carrier family 4 member 1 (Diego blood group); minus strand). Cytogenetic location: 17q21.31.
Variant type: single nucleotide variant.
Coding change: c.1034G>A on transcript NM_000342.4 (MANE Select); coding-DNA position 1034, G replaced by A.
Protein change: p.Arg345Lys; replaces arginine 345 with lysine.
Molecular consequence: missense variant.
Genome position (GRCh38, 1-based): chr17:44,258,466, C>T on the plus strand (G>A on the coding strand, the complement: SLC4A1 is on the minus strand). VCF-style: chr17-44258466-C-T. GRCh37 (hg19) VCF-style: chr17-42335834-C-T.
Other names: short protein forms R345K.
Identifiers: ClinVar variation 2767522 (VCV002767522.3), dbSNP rs2509967316, ClinGen allele CA399788571.